The following is an entry in ClinVar:

ClinVar aggregate classification (germline): Uncertain significance. Review status: criteria provided, multiple submitters, no conflicts (2 of 4 stars). 2 submissions from 2 submitters: Uncertain significance (2). Last evaluated 2025-07-03.

Conditions:
Inborn genetic diseases. Identifiers: MedGen C0950123, MeSH D030342.
Fanconi anemia (FA). Also called: Fanconi's anemia. Identifiers: Orphanet 84, MedGen C0015625, MeSH D005199, MONDO:0019391.

Allele frequency attached by ClinVar (database versions not stated): gnomAD exomes below 0.00001; TOPMed below 0.00001.
gnomAD v4.1: 3 of 1,611,784 alleles (0.00019%); highest among the groups gnomAD compares: Non-Finnish European, 0.00025%; no homozygotes.

Submissions (2):

Ambry Genetics
Classification: Uncertain significance for Inborn genetic diseases. Last evaluated: 2025-07-03. Review status: criteria provided, single submitter. Criteria: Ambry Variant Classification Scheme 2023. Collection method: clinical testing. Allele origin: germline.
Comment: The p.T477I variant (also known as c.1430C>T), located in coding exon 9 of the FANCM gene, results from a C to T substitution at nucleotide position 1430. The threonine at codon 477 is replaced by isoleucine, an amino acid with similar properties. This amino acid position is conserved. In addition, this alteration is predicted to be tolerated by in silico analysis. Based on the available evidence, the clinical significance of this variant remains unclear.

Labcorp Genetics (formerly Invitae), Labcorp
Classification: Uncertain significance for Fanconi anemia. Last evaluated: 2022-12-17. Review status: criteria provided, single submitter. Criteria: Invitae Variant Classification Sherloc (09022015). Collection method: clinical testing. Allele origin: germline.
Comment: This variant is not present in population databases (gnomAD no frequency). This sequence change replaces threonine, which is neutral and polar, with isoleucine, which is neutral and non-polar, at codon 477 of the FANCM protein (p.Thr477Ile). This variant has not been reported in the literature in individuals affected with FANCM-related conditions. In summary, the available evidence is currently insufficient to determine the role of this variant in disease. Therefore, it has been classified as a Variant of Uncertain Significance. Algorithms developed to predict the effect of missense changes on protein structure and function are either unavailable or do not agree on the potential impact of this missense change (SIFT: "Deleterious"; PolyPhen-2: "Benign"; Align-GVGD: "Class C0").

NM_020937.4(FANCM):c.1430C>T (p.Thr477Ile)

Gene: FANCM (FA complementation group M; plus strand). Cytogenetic location: 14q21.2.
Variant type: single nucleotide variant.
Coding change: c.1430C>T on transcript NM_020937.4 (MANE Select); coding-DNA position 1430, C replaced by T.
Protein change: p.Thr477Ile; replaces threonine 477 with isoleucine.
Molecular consequence: missense variant.
Genome position (GRCh38, 1-based): chr14:45,159,129, C>T. VCF-style: chr14-45159129-C-T. GRCh37 (hg19) VCF-style: chr14-45628332-C-T.
Other names: c.1352C>T, p.Thr451Ile (NM_001308133.2); c.1430C>T, p.Thr477Ile (NM_001308134.2); short protein forms T451I, T477I.
Identifiers: ClinVar variation 2716043 (VCV002716043.4), dbSNP rs1231811964, ClinGen allele CA389592434.